The following is an entry in ClinVar:

ClinVar aggregate classification (germline): Uncertain significance. Review status: criteria provided, multiple submitters, no conflicts (2 of 4 stars). 2 submissions from 2 submitters: Uncertain significance (2). Last evaluated 2024-08-28.

Conditions:
Inborn genetic diseases. Identifiers: MedGen C0950123, MeSH D030342.

Allele frequency attached by ClinVar (database versions not stated): gnomAD exomes 0.00001; ExAC 0.00002; TOPMed 0.00005; ESP Exome Variant Server 0.00008; gnomAD 0.00008.
gnomAD v4.1: 24 of 1,613,914 alleles (0.0015%); highest among the groups gnomAD compares: African/African-American, 0.015%; no homozygotes.

Submissions (2):

Ambry Genetics
Classification: Uncertain significance for Inborn genetic diseases. Last evaluated: 2024-08-28. Review status: criteria provided, single submitter. Criteria: Ambry Variant Classification Scheme 2023. Collection method: clinical testing. Allele origin: germline.

Labcorp Genetics (formerly Invitae), Labcorp
Classification: Uncertain significance. Last evaluated: 2022-08-22. Review status: criteria provided, single submitter. Criteria: Invitae Variant Classification Sherloc (09022015). Collection method: clinical testing. Allele origin: germline.
Comment: This sequence change replaces arginine, which is basic and polar, with glutamine, which is neutral and polar, at codon 364 of the GFM1 protein (p.Arg364Gln). This variant is present in population databases (rs140490191, gnomAD 0.008%). This variant has not been reported in the literature in individuals affected with GFM1-related conditions. Advanced modeling of protein sequence and biophysical properties (such as structural, functional, and spatial information, amino acid conservation, physicochemical variation, residue mobility, and thermodynamic stability) performed at Invitae indicates that this missense variant is expected to disrupt GFM1 protein function. Algorithms developed to predict the effect of sequence changes on RNA splicing suggest that this variant may create or strengthen a splice site. In summary, the available evidence is currently insufficient to determine the role of this variant in disease. Therefore, it has been classified as a Variant of Uncertain Significance.

NM_024996.7(GFM1):c.1091G>A (p.Arg364Gln)

Gene: GFM1 (G elongation factor mitochondrial 1; plus strand). Cytogenetic location: 3q25.32.
Variant type: single nucleotide variant.
Coding change: c.1091G>A on transcript NM_024996.7 (MANE Select); coding-DNA position 1091, G replaced by A.
Protein change: p.Arg364Gln; replaces arginine 364 with glutamine.
Molecular consequence: missense variant. On other transcripts: non-coding transcript variant (4), intron variant (1).
Genome position (GRCh38, 1-based): chr3:158,658,929, G>A. VCF-style: chr3-158658929-G-A. GRCh37 (hg19) VCF-style: chr3-158376718-G-A.
Other names: c.1148G>A, p.Arg383Gln (NM_001308164.2); c.1091G>A, p.Arg364Gln (NM_001308166.2); c.974G>A, p.Arg325Gln (NM_001374356.1); c.866G>A, p.Arg289Gln (NM_001374357.1); c.632G>A, p.Arg211Gln (NM_001374358.1); c.524G>A, p.Arg175Gln (NM_001374359.1, NM_001374360.1); c.407G>A, p.Arg136Gln (NM_001374361.1); c.1141-1945G>A (NM_001374355.1); short protein forms R136Q, R325Q, R211Q, R364Q, R383Q, R175Q, R289Q.
Identifiers: ClinVar variation 2076912 (VCV002076912.3), dbSNP rs140490191, ClinGen allele CA2682536.